The following is an entry in ClinVar:

ClinVar aggregate classification (germline): Benign (1 of 4 stars; one submission).

Allele frequency attached by ClinVar (database versions not stated): gnomAD 0.71658 and 0.71744; TOPMed 0.73370; 1000 Genomes Project 30x 0.77826; 1000 Genomes Project 0.78395.
gnomAD v4.1: 109,046 of 151,994 alleles (72%); highest among the groups gnomAD compares: African/African-American, 83%; 39,715 homozygotes.

Submission:

GeneDx
Classification: Benign. Last evaluated: 2018-06-14. Review status: criteria provided, single submitter. Criteria: GeneDx Variant Classification (06012015). Collection method: clinical testing. Allele origin: germline. Affected: yes.
Comment: This variant is considered likely benign or benign based on one or more of the following criteria: it is a conservative change, it occurs at a poorly conserved position in the protein, it is predicted to be benign by multiple in silico algorithms, and/or has population frequency not consistent with disease.

NM_032119.4(ADGRV1):c.10161+218C>T

Gene: ADGRV1 (adhesion G protein-coupled receptor V1; plus strand). Cytogenetic location: 5q14.3.
Variant type: single nucleotide variant.
Coding change: c.10161+218C>T on transcript NM_032119.4 (MANE Select); 218 bases into the intron after coding-DNA position 10161, C replaced by T.
Molecular consequence: intron variant.
Genome position (GRCh38, 1-based): chr5:90,725,874, C>T. VCF-style: chr5-90725874-C-T. GRCh37 (hg19) VCF-style: chr5-90021691-C-T.
Identifiers: ClinVar variation 678805 (VCV000678805.1), dbSNP rs7724806, ClinGen allele CA122809100.